The following is an entry in ClinVar:

ClinVar aggregate classification (germline): Uncertain significance (1 of 4 stars; one submission).

gnomAD v4.1: 1 of 1,613,968 alleles (0.000062%); highest among the groups gnomAD compares: African/African-American, 0.0013%; no homozygotes.

Submission:

Mayo Clinic Laboratories, Mayo Clinic
Classification: Uncertain significance. Last evaluated: 2025-09-30. Review status: criteria provided, single submitter. Criteria: ACMG Guidelines, 2015. Collection method: clinical testing. Allele origin: germline. Observed: 1 variant allele.
Comment: BP4_moderate

NM_152722.5(HEPACAM):c.409A>G (p.Ile137Val)

Gene: HEPACAM (hepatic and glial cell adhesion molecule; minus strand). Cytogenetic location: 11q24.2.
Variant type: single nucleotide variant.
Coding change: c.409A>G on transcript NM_152722.5 (MANE Select); coding-DNA position 409, A replaced by G.
Protein change: p.Ile137Val; replaces isoleucine 137 with valine.
Molecular consequence: missense variant.
Genome position (GRCh38, 1-based): chr11:124,924,746, T>C on the plus strand (A>G on the coding strand, the complement: HEPACAM is on the minus strand). VCF-style: chr11-124924746-T-C. GRCh37 (hg19) VCF-style: chr11-124794642-T-C.
Other names: p.Ile137Val; c.409A>G, p.Ile137Val (NM_001411043.1, NM_001441320.1); short protein forms I137V.
Identifiers: ClinVar variation 4541669 (VCV004541669.1).
Genomic context (GRCh38, chr11:124,924,746, plus strand): 5'-CCACCTGCCAGTCTTGCCTCTTTCCCTGCCAGAGCGCTTTACCATCTACAGTAAGGTTGA[T>C]GGTCTTCTCCCCAGTGAAGGTGTCGTCGGTGATGGAGATCTCGACCTCATAGGTGCCCTC-3'
Protein context (NP_689935.2, residues 127-147): TDDTFTGEKT[Ile137Val]NLTVDVPISR